The following is an entry in ClinVar:

NM_021831.6(AGBL5):c.971C>T (p.Pro324Leu)

Gene: AGBL5 (AGBL carboxypeptidase 5; plus strand). Cytogenetic location: 2p23.3.
Variant type: single nucleotide variant.
Coding change: c.971C>T on transcript NM_021831.6 (MANE Select); coding-DNA position 971, C replaced by T.
Protein change: p.Pro324Leu; replaces proline 324 with leucine.
Molecular consequence: missense variant. On other transcripts: non-coding transcript variant (2).
Genome position (GRCh38, 1-based): chr2:27,055,744, C>T. VCF-style: chr2-27055744-C-T. GRCh37 (hg19) VCF-style: chr2-27278612-C-T.
Other names: c.971C>T, p.Pro324Leu (NM_001035507.3); short protein forms P324L.
Identifiers: ClinVar variation 1297097 (VCV001297097.2), dbSNP rs766193452, ClinGen allele CA44464604.

ClinVar aggregate classification (germline): Uncertain significance (1 of 4 stars; one submission).

Conditions:
Retinitis pigmentosa (RP). Identifiers: Orphanet 791, MedGen C0035334, MeSH D012174, MONDO:0019200, OMIM 268000. Inheritance: Autosomal dominant, autosomal recessive and X linked inheritance.

Allele frequency attached by ClinVar (database versions not stated): gnomAD exomes below 0.00001; gnomAD 0.00001; TOPMed 0.00002.
gnomAD v4.1: 7 of 1,614,056 alleles (0.00043%); highest among the groups gnomAD compares: Non-Finnish European, 0.00059%; no homozygotes.

Submission:

Broad Center for Mendelian Genomics, Broad Institute of MIT and Harvard
Classification: Uncertain significance for Retinitis pigmentosa. Last evaluated: 2021-04-01. Review status: criteria provided, single submitter. Criteria: ACMG Guidelines, 2015. Collection method: curation. Allele origin: germline. Inheritance: Autosomal recessive inheritance. Affected: yes.
Comment: Through a review of available evidence we were able to apply the following criteria: PM2, PP3. Based on this evidence we have classified this variant as a Variant of Uncertain Significance. If you have any questions about the classification please reach out to the Pierce Lab.

Literature cited by the submitters: PubMed 34906470.